The following is an entry in ClinVar:

NM_000059.4(BRCA2):c.8152A>G (p.Ile2718Val)

Gene: BRCA2 (BRCA2 DNA repair associated; plus strand). Cytogenetic location: 13q13.1.
Variant type: single nucleotide variant.
Coding change: c.8152A>G on transcript NM_000059.4 (MANE Select); coding-DNA position 8152, A replaced by G.
Protein change: p.Ile2718Val; replaces isoleucine 2718 with valine.
Molecular consequence: missense variant.
Genome position (GRCh38, 1-based): chr13:32,363,354, A>G. VCF-style: chr13-32363354-A-G. GRCh37 (hg19) VCF-style: chr13-32937491-A-G.
Other names: short protein forms I2718V.
Identifiers: ClinVar variation 854554 (VCV000854554.15), dbSNP rs2072757385, ClinGen allele CA387749521.

ClinVar aggregate classification (germline): Conflicting classifications of pathogenicity. Review status: criteria provided, conflicting classifications (1 of 4 stars). 4 submissions from 4 submitters: Uncertain significance (3); Likely benign (1). Last evaluated 2025-01-19.

Conditions:
Familial prostate cancer. Also called: Hereditary Prostate Cancer. Identifiers: MedGen C2931456, MONDO:0700275, OMIM 176807.
Hereditary breast ovarian cancer syndrome. Also called: Hereditary breast and/or ovarian cancer syndrome; Hereditary breast and ovarian cancer syndrome; Hereditary breast and ovarian cancer syndrome (HBOC); BRCA1- and BRCA2-Associated Hereditary Breast and Ovarian Cancer; Hereditary breast and ovarian cancer; Breast and ovarian cancer. Identifiers: Orphanet 145, MedGen C0677776, MeSH D061325, MONDO:0003582. Disease mechanism: loss of function.
Hereditary cancer-predisposing syndrome. Also called: Hereditary Cancer Syndrome; Hereditary neoplastic syndrome; Neoplastic Syndromes, Hereditary; Tumor predisposition. Identifiers: Orphanet 140162, MedGen C0027672, MeSH D009386, MONDO:0015356.

Allele frequency attached by ClinVar (database versions not stated): gnomAD exomes below 0.00001.
gnomAD v4.1: 2 of 1,614,152 alleles (0.00012%); highest among the groups gnomAD compares: African/African-American, 0.0013%; no homozygotes.

Submissions (4):

Labcorp Genetics (formerly Invitae), Labcorp
Classification: Uncertain significance for Hereditary breast ovarian cancer syndrome. Last evaluated: 2025-01-19. Review status: criteria provided, single submitter. Criteria: Invitae Variant Classification Sherloc (09022015). Collection method: clinical testing. Allele origin: germline.
Comment: This sequence change replaces isoleucine, which is neutral and non-polar, with valine, which is neutral and non-polar, at codon 2718 of the BRCA2 protein (p.Ile2718Val). This variant is not present in population databases (gnomAD no frequency). This variant has not been reported in the literature in individuals affected with BRCA2-related conditions. ClinVar contains an entry for this variant (Variation ID: 854554). Invitae Evidence Modeling of protein sequence and biophysical properties (such as structural, functional, and spatial information, amino acid conservation, physicochemical variation, residue mobility, and thermodynamic stability) indicates that this missense variant is not expected to disrupt BRCA2 protein function with a negative predictive value of 95%. In summary, the available evidence is currently insufficient to determine the role of this variant in disease. Therefore, it has been classified as a Variant of Uncertain Significance.

Ambry Genetics
Classification: Likely benign for Hereditary cancer-predisposing syndrome. Last evaluated: 2024-03-27. Review status: criteria provided, single submitter. Criteria: Ambry Variant Classification Scheme 2023. Collection method: clinical testing. Allele origin: germline.

Department of Pathology and Laboratory Medicine, Sinai Health System
Classification: Uncertain significance for Familial prostate cancer. Last evaluated: 2023-04-21. Review status: criteria provided, single submitter. Criteria: ACMG Guidelines, 2015. Collection method: clinical testing. Allele origin: germline. Affected: yes.

Color Diagnostics, LLC DBA Color Health
Classification: Uncertain significance for Hereditary cancer-predisposing syndrome. Last evaluated: 2020-01-15. Review status: criteria provided, single submitter. Criteria: ACMG Guidelines, 2015. Collection method: clinical testing. Allele origin: germline.
Comment: This missense variant replaces isoleucine with valine at codon 2718 of the BRCA2 protein. Computational prediction suggests that this variant may not impact protein structure and function (internally defined REVEL score threshold <= 0.5, PMID: 27666373). Splice site prediction tools suggest that this variant may not impact RNA splicing. To our knowledge, functional studies have not been performed for this variant. This variant has not been reported in individuals affected with hereditary cancer in the literature. This variant has not been identified in the general population by the Genome Aggregation Database (gnomAD). The available evidence is insufficient to determine the role of this variant in disease conclusively. Therefore, this variant is classified as a Variant of Uncertain Significance.